The following is an entry in ClinVar:

NM_001458.5(FLNC):c.2263C>T (p.Arg755Trp)

Gene: FLNC (filamin C; plus strand). Cytogenetic location: 7q32.1.
Variant type: single nucleotide variant.
Coding change: c.2263C>T on transcript NM_001458.5 (MANE Select); coding-DNA position 2263, C replaced by T.
Protein change: p.Arg755Trp; replaces arginine 755 with tryptophan.
Molecular consequence: missense variant.
Genome position (GRCh38, 1-based): chr7:128,842,372, C>T. VCF-style: chr7-128842372-C-T. GRCh37 (hg19) VCF-style: chr7-128482426-C-T.
Other names: c.2263C>T, p.Arg755Trp (NM_001127487.2); short protein forms R755W.
Identifiers: ClinVar variation 1063882 (VCV001063882.13), dbSNP rs990718751, ClinGen allele CA166217836.

ClinVar aggregate classification (germline): Uncertain significance. Review status: criteria provided, multiple submitters, no conflicts (2 of 4 stars). 4 submissions from 4 submitters: Uncertain significance (4). Last evaluated 2026-02-20.

Conditions:
FLNC-related disorder. Also called: FLNC-related condition; FLNC-related disorders.
Cardiovascular phenotype. Identifiers: MedGen CN230736.
Hypertrophic cardiomyopathy 26. Also called: Cardiomyopathy, familial hypertrophic, 26. Identifiers: Orphanet 75249, MedGen C4310749, MONDO:0014883, OMIM 617047.
Distal myopathy with posterior leg and anterior hand involvement. Also called: WILLIAMS DISTAL MYOPATHY. Identifiers: Orphanet 63273, MedGen C3279722, MONDO:0013550, OMIM 614065.
Myofibrillar myopathy 5. Also called: FILAMINOPATHY, AUTOSOMAL DOMINANT; Filaminopathy (type). Identifiers: Orphanet 171445, MedGen C1836050, MONDO:0012289, OMIM 609524.
Primary dilated cardiomyopathy (DCM). Also called: Dilated Cardiomyopathy. Identifiers: Orphanet 217604, MedGen C0007193, MeSH D002311, MONDO:0005021, HP:0001644. Inheritance: Various modes of inheritance.

Allele frequency attached by ClinVar (database versions not stated): gnomAD exomes below 0.00001; gnomAD 0.00001.
gnomAD v4.1: 7 of 1,613,270 alleles (0.00043%); highest among the groups gnomAD compares: African/African-American, 0.0013%; no homozygotes.

Submissions (4):

PreventionGenetics, part of Exact Sciences
Classification: Uncertain significance for FLNC-related condition. Last evaluated: 2026-02-20. Review status: criteria provided, single submitter. Criteria: ACMG Guidelines, 2015. Collection method: clinical testing. Allele origin: germline.
Comment: The FLNC c.2263C>T variant is predicted to result in the amino acid substitution p.Arg755Trp. This variant has been reported in a cohort of individuals with dilated cardiomyopathy (Table S3 in Lian et al. 2023. PubMed ID: 37461109). This variant has not been reported in a large population database (gnomAD), indicating this variant is rare. At this time, the clinical significance of this variant is uncertain due to the absence of conclusive functional and genetic evidence.

Labcorp Genetics (formerly Invitae), Labcorp
Classification: Uncertain significance for Distal myopathy with posterior leg and anterior hand involvement; Myofibrillar myopathy 5; Hypertrophic cardiomyopathy 26. Last evaluated: 2025-10-29. Review status: criteria provided, single submitter. Criteria: Invitae Variant Classification Sherloc (09022015). Collection method: clinical testing. Allele origin: germline.
Comment: This sequence change replaces arginine, which is basic and polar, with tryptophan, which is neutral and slightly polar, at codon 755 of the FLNC protein (p.Arg755Trp). This variant is not present in population databases (gnomAD no frequency). This missense change has been observed in individual(s) with dilated cardiomyopathy (PMID: 37461109). ClinVar contains an entry for this variant (Variation ID: 1063882). An algorithm developed to predict the effect of missense changes on protein structure and function (PolyPhen-2) suggests that this variant is likely to be disruptive. In summary, the available evidence is currently insufficient to determine the role of this variant in disease. Therefore, it has been classified as a Variant of Uncertain Significance.

Ambry Genetics
Classification: Uncertain significance for Cardiovascular phenotype. Last evaluated: 2025-07-02. Review status: criteria provided, single submitter. Criteria: Ambry Variant Classification Scheme 2023. Collection method: clinical testing. Allele origin: germline.
Comment: The p.R755W variant (also known as c.2263C>T), located in coding exon 14 of the FLNC gene, results from a C to T substitution at nucleotide position 2263. The arginine at codon 755 is replaced by tryptophan, an amino acid with dissimilar properties. This variant was reported in individual(s) with features consistent with dilated cardiomyopathy (Lian H et al. J Transl Med. 2023 Jul;21(1):476). This amino acid position is highly conserved in available vertebrate species. In addition, this alteration is predicted to be deleterious by in silico analysis. Based on the available evidence, the clinical significance of this variant remains unclear.

Genetics and Molecular Pathology, SA Pathology
Classification: Uncertain significance for Primary dilated cardiomyopathy. Last evaluated: 2023-03-23. Review status: criteria provided, single submitter. Criteria: ACMG Guidelines, 2015. Collection method: clinical testing. Allele origin: germline. Affected: yes.
Comment: The FLNC c.2263C>T variant is classified as VUS (PM2, PP3) The FLNC c.2263C>T variant is a single nucleotide change in exon 14/48 of the FLNC gene, which is predicted to change the amino acid arginine at position 755 in the protein to tryptophan. The variant is rare in population databases (gnomAD allele frequency = 0.00065%; 1 het and 0 hom in 152224 sequenced alleles) (PM2). Computational predictions support a deleterious effect on the gene or gene product (PP3). The variant has been reported in dbSNP (rs990718751), is reported as uncertain significance in individuals with a cardiovascular phenotype by other diagnostic laboratories (ClinVar #1063882) and is not reported in HGMD. This variant has been reported in the literature in an individual with FrontoTemporal Dementia (PMID#26555887).

Literature cited by the submitters: PubMed 37461109 (cited by Labcorp Genetics (formerly Invitae), Labcorp and Ambry Genetics); PubMed 26555887 (cited by Genetics and Molecular Pathology, SA Pathology).